The following is an entry in ClinVar:

ClinVar aggregate classification (germline): Uncertain significance. Review status: criteria provided, multiple submitters, no conflicts (2 of 4 stars). 4 submissions from 4 submitters: Uncertain significance (4). Last evaluated 2025-12-23.

Conditions:
Loeys-Dietz syndrome 2 (LDS2). Also called: Marfan syndrome, type 2 (formerly); Marfan Syndrome type 2; Marfan like connective tissue disorder; MFS 2; AORTIC ANEURYSM, FAMILIAL THORACIC 3; MARFAN SYNDROME, TYPE II. Identifiers: Orphanet 284973, Orphanet 558, MedGen C2674574, MONDO:0012427, OMIM 610168.
Familial thoracic aortic aneurysm and aortic dissection (TAAD). Also called: Thoracic aortic aneurysms and dissections. Identifiers: Orphanet 91387, MedGen C4707243, MONDO:0019625.

Submissions (4):

Labcorp Genetics (formerly Invitae), Labcorp
Classification: Uncertain significance for Familial thoracic aortic aneurysm and aortic dissection. Last evaluated: 2025-12-23. Review status: criteria provided, single submitter. Criteria: Invitae Variant Classification Sherloc (09022015). Collection method: clinical testing. Allele origin: germline.
Comment: This sequence change creates a premature translational stop signal (p.Lys556Leufs*8) in the TGFBR2 gene. While this is not anticipated to result in nonsense mediated decay, it is expected to disrupt the last 12 amino acid(s) of the TGFBR2 protein. This variant is present in population databases (rs767015322, gnomAD 0.0009%). This variant has not been reported in the literature in individuals affected with TGFBR2-related conditions. ClinVar contains an entry for this variant (Variation ID: 927544). In summary, the available evidence is currently insufficient to determine the role of this variant in disease. Therefore, it has been classified as a Variant of Uncertain Significance.

Color Diagnostics, LLC DBA Color Health
Classification: Uncertain significance for Familial thoracic aortic aneurysm and aortic dissection. Last evaluated: 2025-06-25. Review status: criteria provided, single submitter. Criteria: ACMG Guidelines, 2015. Collection method: clinical testing. Allele origin: germline.
Comment: This variant inserts 13 nucleotides in exon 8 of the TGFBR2 gene, creating a frameshift and premature translation stop signal in the last coding exon. This variant is expected to escape nonsense-mediated decay and be expressed as a truncated protein product. To our knowledge, functional assays have not been performed for this variant. This variant has been reported in an individual affected with hypermobile Ehlers Danlos syndrome (PMID: 38534782). This variant has been identified in 1/251202 chromosomes in the general population by the Genome Aggregation Database (gnomAD). The available evidence is insufficient to determine the role of this variant in disease conclusively. Therefore, this variant is classified as a Variant of Uncertain Significance.

All of Us Research Program, National Institutes of Health
Classification: Uncertain significance for Loeys-Dietz syndrome 2. Last evaluated: 2024-05-13. Review status: criteria provided, single submitter. Criteria: ACMG Guidelines, 2015. Collection method: clinical testing. Allele origin: germline. Inheritance: Autosomal dominant inheritance. Observed: 1 variant allele, 1 heterozygote.
Comment: This variant inserts 13 nucleotides in exon 8 of the TGFBR2 gene, creating a frameshift and premature translation stop signal in the last coding exon. This variant is expected to escape nonsense-mediated decay and be expressed as a truncated protein product. To our knowledge, functional assays have not been performed for this variant nor has this variant been reported in individuals affected with cardiovascular disorders in the literature. This variant has been identified in 1/251202 chromosomes in the general population by the Genome Aggregation Database (gnomAD). The available evidence is insufficient to determine the role of this variant in disease conclusively. Therefore, this variant is classified as a Variant of Uncertain Significance.

This study involves interpretation of variants in research participants for the purpose of population health screening. Participant phenotype was not available at the time of variant classification. Additional details can be found in publication PMID: 35346344, PMCID: PMC8962531

Ambry Genetics
Classification: Uncertain significance for Familial thoracic aortic aneurysm and aortic dissection. Last evaluated: 2023-11-07. Review status: criteria provided, single submitter. Criteria: Ambry Variant Classification Scheme 2023. Collection method: clinical testing. Allele origin: germline.
Comment: The c.1653_1665dup13 variant, located in coding exon 7 of the TGFBR2 gene, results from a duplication of CTGCTCGGAGGAG at nucleotide position 1653, causing a translational frameshift with a predicted alternate stop codon (p.K556Lfs*8). This alteration is expected to result in protein truncation. However, the exact functional effect of this alteration is unknown, and loss of function of TGFBR2 has not been established as a mechanism of disease. Since supporting evidence is limited at this time, the clinical significance of this alteration remains unclear.

Literature cited by the submitters: PubMed 38534782 (cited by Color Diagnostics, LLC DBA Color Health).

NM_003242.6(TGFBR2):c.1653_1665dup (p.Lys556fs)

Gene: TGFBR2 (transforming growth factor beta receptor 2; plus strand). Cytogenetic location: 3p24.1.
Variant type: Duplication.
Coding change: c.1653_1665dup on transcript NM_003242.6 (MANE Select); coding-DNA positions 1653 to 1665, 13 bases duplicated (CTGCTCGGAGGAG).
Protein change: p.Lys556fs; shifts the reading frame from lysine 556.
Molecular consequence: frameshift variant.
Genome position (GRCh38, 1-based): chr3:30,691,548-30,691,560, CTGCTCGGAGGAG duplicated; duplicating any 13 consecutive bases within chr3:30,691,541-30,691,560 gives the same sequence; the c. name uses the placement nearest the transcript's 3' end. VCF-style (leftmost placement, unchanged base first): chr3-30691540-G-GGGAGGAGCTGCTC. GRCh37 (hg19) VCF-style: chr3-30733032-G-GGGAGGAGCTGCTC.
Other names: c.1728_1740dup, p.Lys581Leufs (NM_001024847.3); c.1836_1848dup, p.Lys617Leufs (NM_001407126.1); c.1761_1773dup, p.Lys592Leufs (NM_001407127.1); c.1680_1692dup, p.Lys565Leufs (NM_001407128.1); c.1656_1668dup, p.Lys557Leufs (NM_001407129.1); c.1650_1662dup, p.Lys555Leufs (NM_001407130.1); c.1548_1560dup, p.Lys521Leufs (NM_001407132.1, NM_001407133.1, NM_001407134.1 and 2 more transcripts); c.1368_1380dup, p.Lys461Leufs (NM_001407137.1); and 3 more; short protein forms K556fs, K581fs.
Identifiers: ClinVar variation 927544 (VCV000927544.9), dbSNP rs767015322, ClinGen allele CA2294233.